The following is an entry in ClinVar:

NM_170606.3(KMT2C):c.12860T>A (p.Leu4287Ter)

Gene: KMT2C (lysine methyltransferase 2C; minus strand). Cytogenetic location: 7q36.1.
Variant type: single nucleotide variant.
Coding change: c.12860T>A on transcript NM_170606.3 (MANE Select); coding-DNA position 12860, T replaced by A.
Protein change: p.Leu4287Ter; replaces leucine 4287 with a stop codon.
Molecular consequence: nonsense.
Genome position (GRCh38, 1-based): chr7:152,149,067, A>T on the plus strand (T>A on the coding strand, the complement: KMT2C is on the minus strand). VCF-style: chr7-152149067-A-T. GRCh37 (hg19) VCF-style: chr7-151846152-A-T.
Other names: short protein forms L4287*.
Identifiers: ClinVar variation 3903236 (VCV003903236.1).

ClinVar aggregate classification (germline): Likely pathogenic (1 of 4 stars; one submission).

Submission:

GeneDx
Classification: Likely pathogenic. Last evaluated: 2024-12-10. Review status: criteria provided, single submitter. Criteria: GeneDx Variant Classification Process June 2021. Collection method: clinical testing. Allele origin: germline. Affected: yes.
Comment: Nonsense variant predicted to result in protein truncation or nonsense mediated decay in a gene for which loss of function is a known mechanism of disease; Not observed at significant frequency in large population cohorts (gnomAD); Has not been previously published as pathogenic or benign to our knowledge